The following is an entry in ClinVar:

NM_212550.5(BLOC1S3):c.415G>T (p.Val139Leu)

Gene: BLOC1S3 (biogenesis of lysosomal organelles complex 1 subunit 3; plus strand). Cytogenetic location: 19q13.32.
Variant type: single nucleotide variant.
Coding change: c.415G>T on transcript NM_212550.5 (MANE Select); coding-DNA position 415, G replaced by T.
Protein change: p.Val139Leu; replaces valine 139 with leucine.
Molecular consequence: missense variant.
Genome position (GRCh38, 1-based): chr19:45,179,711, G>T. VCF-style: chr19-45179711-G-T. GRCh37 (hg19) VCF-style: chr19-45682969-G-T.
Other names: c.415G>T (NM_212550.4); short protein forms V139L.
Identifiers: ClinVar variation 1307468 (VCV001307468.16), dbSNP rs749030472, ClinGen allele CA9510249.
Genomic context (GRCh38, chr19:45,179,711, plus strand): 5'-CGGCTGGACCACGACGTGGCGGCCGCCGTGAGCGGTGTCTACCGCCGTGCAGGCCGCGAC[G>T]TGGCCGCCCTGGCTAGTAGGCTGGCGGCAGCCCAGGCGGCGGGGCTGGCGGCGGCCCACA-3'
Protein context (NP_997715.1, residues 129-149): SGVYRRAGRD[Val139Leu]AALASRLAAA

ClinVar aggregate classification (germline): Conflicting classifications of pathogenicity. Review status: criteria provided, conflicting classifications (1 of 4 stars). 5 submissions from 5 submitters: Uncertain significance (2); Likely benign (2). 1 of the submissions does not count toward it. Last evaluated 2026-01-14.

Conditions:
BLOC1S3-related disorder. Also called: BLOC1S3-related condition.

Allele frequency attached by ClinVar (database versions not stated): gnomAD exomes 0.00003; 1000 Genomes Project 30x 0.00047; gnomAD 0.00084 and 0.00090; TOPMed 0.00093.
gnomAD v4.1: 222 of 1,458,098 alleles (0.015%); highest among the groups gnomAD compares: African/African-American, 0.3%; 1 homozygote.

Submissions (5):

Labcorp Genetics (formerly Invitae), Labcorp
Classification: Likely benign. Last evaluated: 2026-01-14. Review status: criteria provided, single submitter. Criteria: Invitae Variant Classification Sherloc (09022015). Collection method: clinical testing. Allele origin: germline.

Women's Health and Genetics/Laboratory Corporation of America, LabCorp
Classification: Likely benign. Last evaluated: 2026-01-14. Review status: criteria provided, single submitter. Criteria: LabCorp Variant Classification Summary - May 2015. Collection method: clinical testing. Allele origin: germline.
Comment: Variant summary: BLOC1S3 c.415G>T (p.Val139Leu) results in a conservative amino acid change in the encoded protein sequence. Algorithms developed to predict the effect of missense changes on protein structure and function are either unavailable or do not agree on the potential impact of this missense change. The variant allele was found at a frequency of 0.00037 in 98262 control chromosomes, predominantly at a frequency of 0.0037 within the African or African-American subpopulation in the gnomAD database. The observed variant frequency within African or African-American control individuals in the gnomAD database exceeds the estimated maximal expected allele frequency for disease-causing variants in BLOC1S3. To our knowledge, no occurrence of c.415G>T in individuals affected with BLOC1S3-related conditions and no experimental evidence demonstrating its impact on protein function have been reported. ClinVar contains an entry for this variant (Variation ID: 1307468). Based on the evidence outlined above, the variant was classified as likely benign.

Blueprint Genetics
Classification: Uncertain significance. Last evaluated: 2024-11-25. Review status: criteria provided, single submitter. Criteria: ACMG Guidelines, 2015. Collection method: clinical testing. Allele origin: germline.

GeneDx
Classification: Uncertain significance. Last evaluated: 2023-11-04. Review status: criteria provided, single submitter. Criteria: GeneDx Variant Classification Process June 2021. Collection method: clinical testing. Allele origin: germline. Affected: yes.
Comment: In silico analysis, which includes protein predictors and evolutionary conservation, supports that this variant does not alter protein structure/function; Has not been previously published as pathogenic or benign to our knowledge

PreventionGenetics, part of Exact Sciences
Classification: Likely benign for BLOC1S3-related condition. Last evaluated: 2022-12-20. Review status: no assertion criteria provided. Collection method: clinical testing. Allele origin: germline. Not counted in ClinVar's aggregate classification.
Comment: This variant is classified as likely benign based on ACMG/AMP sequence variant interpretation guidelines (Richards et al. 2015 PMID: 25741868, with internal and published modifications).